The following is an entry in ClinVar:

ClinVar aggregate classification (germline): Uncertain significance (1 of 4 stars; one submission).

Submission:

Labcorp Genetics (formerly Invitae), Labcorp
Classification: Uncertain significance. Last evaluated: 2022-09-27. Review status: criteria provided, single submitter. Criteria: Invitae Variant Classification Sherloc (09022015). Collection method: clinical testing. Allele origin: germline.
Comment: In summary, the available evidence is currently insufficient to determine the role of this variant in disease. Therefore, it has been classified as a Variant of Uncertain Significance. Advanced modeling of protein sequence and biophysical properties (such as structural, functional, and spatial information, amino acid conservation, physicochemical variation, residue mobility, and thermodynamic stability) performed at Invitae indicates that this missense variant is not expected to disrupt TNFAIP3 protein function. This variant has not been reported in the literature in individuals affected with TNFAIP3-related conditions. This variant is not present in population databases (gnomAD no frequency). This sequence change replaces methionine, which is neutral and non-polar, with isoleucine, which is neutral and non-polar, at codon 298 of the TNFAIP3 protein (p.Met298Ile).

NM_001270508.2(TNFAIP3):c.894G>A (p.Met298Ile)

Gene: TNFAIP3 (TNF alpha induced protein 3; plus strand). Cytogenetic location: 6q23.3.
Variant type: single nucleotide variant.
Coding change: c.894G>A on transcript NM_001270508.2 (MANE Select); coding-DNA position 894, G replaced by A.
Protein change: p.Met298Ile; replaces methionine 298 with isoleucine.
Molecular consequence: missense variant.
Genome position (GRCh38, 1-based): chr6:137,877,164, G>A. VCF-style: chr6-137877164-G-A. GRCh37 (hg19) VCF-style: chr6-138198301-G-A.
Other names: c.894G>A, p.Met298Ile (NM_001270507.2, NM_006290.4); short protein forms M298I.
Identifiers: ClinVar variation 1714108 (VCV001714108.5), dbSNP rs1435485371, ClinGen allele CA365787292.